The following is an entry in ClinVar:

NM_007294.4(BRCA1):c.2754G>C (p.Lys918Asn)

Gene: BRCA1 (BRCA1 DNA repair associated; minus strand). Cytogenetic location: 17q21.31.
Variant type: single nucleotide variant.
Coding change: c.2754G>C on transcript NM_007294.4 (MANE Select); coding-DNA position 2754, G replaced by C.
Protein change: p.Lys918Asn; replaces lysine 918 with asparagine.
Molecular consequence: missense variant. On other transcripts: intron variant (137).
Genome position (GRCh38, 1-based): chr17:43,092,777, C>G on the plus strand (G>C on the coding strand, the complement: BRCA1 is on the minus strand). VCF-style: chr17-43092777-C-G. GRCh37 (hg19) VCF-style: chr17-41244794-C-G.
Other names: c.2541G>C, p.Lys847Asn (NM_001407571.1, NM_001407853.1, NM_001407894.1 and 9 more transcripts); c.2754G>C, p.Lys918Asn (NM_001407581.1, NM_001407582.1, NM_001407583.1 and 30 more transcripts); c.2751G>C, p.Lys917Asn (NM_001407587.1, NM_001407590.1, NM_001407591.1 and 22 more transcripts); c.2745G>C, p.Lys915Asn (NM_001407646.1, NM_001407647.1); c.2631G>C, p.Lys877Asn (NM_001407648.1, NM_001407664.1, NM_001407665.1 and 19 more transcripts); c.2628G>C, p.Lys876Asn (NM_001407649.1, NM_001407670.1, NM_001407671.1 and 11 more transcripts); c.2676G>C, p.Lys892Asn (NM_001407653.1, NM_001407654.1, NM_001407655.1 and 4 more transcripts); c.2673G>C, p.Lys891Asn (NM_001407659.1, NM_001407660.1, NM_001407661.1 and 1 more transcripts); and 41 more; short protein forms K807N, K830N, K850N, K876N, K891N, K892N, K915N, K622N.
Identifiers: ClinVar variation 2901511 (VCV002901511.1), dbSNP rs398122668, ClinGen allele CA10596482.

ClinVar aggregate classification (germline): Uncertain significance (1 of 4 stars; one submission).

Conditions:
Hereditary breast ovarian cancer syndrome. Also called: Hereditary breast and ovarian cancer syndrome; BRCA1- and BRCA2-Associated Hereditary Breast and Ovarian Cancer; Breast and ovarian cancer; Hereditary breast and ovarian cancer; Hereditary breast and ovarian cancer syndrome (HBOC); Hereditary breast and/or ovarian cancer syndrome. Identifiers: Orphanet 145, MedGen C0677776, MeSH D061325, MONDO:0003582. Disease mechanism: loss of function.

gnomAD v4.1: 1 of 1,614,028 alleles (0.000062%); highest among the groups gnomAD compares: East Asian, 0.0022%; no homozygotes.

Submission:

Labcorp Genetics (formerly Invitae), Labcorp
Classification: Uncertain significance for Hereditary breast ovarian cancer syndrome. Last evaluated: 2024-01-21. Review status: criteria provided, single submitter. Criteria: Invitae Variant Classification Sherloc (09022015). Collection method: clinical testing. Allele origin: germline.
Comment: This sequence change replaces lysine, which is basic and polar, with asparagine, which is neutral and polar, at codon 918 of the BRCA1 protein (p.Lys918Asn). This variant is not present in population databases (gnomAD no frequency). This variant has not been reported in the literature in individuals affected with BRCA1-related conditions. Advanced modeling of protein sequence and biophysical properties (such as structural, functional, and spatial information, amino acid conservation, physicochemical variation, residue mobility, and thermodynamic stability) performed at Invitae indicates that this missense variant is not expected to disrupt BRCA1 protein function with a negative predictive value of 95%. In summary, the available evidence is currently insufficient to determine the role of this variant in disease. Therefore, it has been classified as a Variant of Uncertain Significance.